The following is an entry in ClinVar:

ClinVar aggregate classification (germline): Benign. Review status: criteria provided, multiple submitters, no conflicts (2 of 4 stars). 3 submissions from 3 submitters: Benign (3). Last evaluated 2021-05-10.

Conditions:
Congenital dyserythropoietic anemia, type I. Also called: Dyserythropoietic anemia, congenital type 1. Identifiers: Orphanet 98869, MedGen C0271933, MONDO:0020337. Disease mechanism: loss of function.

Allele frequency attached by ClinVar (database versions not stated): gnomAD 0.40821 and 0.41378; TOPMed 0.41771; 1000 Genomes Project 0.46186; 1000 Genomes Project 30x 0.47002.
gnomAD v4.1: 318,137 of 1,134,980 alleles (28%); highest among the groups gnomAD compares: African/African-American, 85%; 58,741 homozygotes.

Submissions (3):

GeneDx
Classification: Benign. Last evaluated: 2021-05-10. Review status: criteria provided, single submitter. Criteria: GeneDx Variant Classification Process June 2021. Collection method: clinical testing. Allele origin: germline. Affected: yes.

Illumina Laboratory Services, Illumina
Classification: Benign for Anemia, congenital dyserythropoietic, type 1a. Last evaluated: 2018-01-13. Review status: criteria provided, single submitter. Criteria: ICSL Variant Classification Criteria 13 December 2019. Collection method: clinical testing. Allele origin: germline.
Comment: This variant was observed in the ICSL laboratory as part of a predisposition screen in an ostensibly healthy population. It had not been previously curated by ICSL or reported in the Human Gene Mutation Database (HGMD: prior to June 1st, 2018), and was therefore a candidate for classification through an automated scoring system. Utilizing variant allele frequency, disease prevalence and penetrance estimates, and inheritance mode, an automated score was calculated to assess if this variant is too frequent to cause the disease. Based on the score and internal cut-off values, a variant classified as benign is not then subjected to further curation. The score for this variant resulted in a classification of benign for this disease.

Breakthrough Genomics
Classification: Benign. Review status: criteria provided, single submitter. Criteria: ACMG Guidelines, 2015. Collection method: not provided. Allele origin: germline. Inheritance: Autosomal recessive inheritance. Affected: yes.

NM_138477.4(CDAN1):c.*142A>G

Gene: CDAN1 (codanin 1; minus strand). Cytogenetic location: 15q15.2.
Variant type: single nucleotide variant.
Coding change: c.*142A>G on transcript NM_138477.4 (MANE Select); 142 bases downstream of the stop codon, A replaced by G.
Molecular consequence: 3 prime UTR variant.
Genome position (GRCh38, 1-based): chr15:42,724,349, T>C on the plus strand (A>G on the coding strand, the complement: CDAN1 is on the minus strand). VCF-style: chr15-42724349-T-C. GRCh37 (hg19) VCF-style: chr15-43016547-T-C.
Other names: c.*142A>G (LRG_1164t1).
Identifiers: ClinVar variation 315916 (VCV000315916.7), dbSNP rs3742987, ClinGen allele CA10646944.